The following is an entry in ClinVar:

ClinVar aggregate classification (germline): Uncertain significance (1 of 4 stars; one submission).

Allele frequency attached by ClinVar (database versions not stated): gnomAD exomes below 0.00001; ExAC 0.00001.
gnomAD v4.1: 2 of 1,614,046 alleles (0.00012%); highest among the groups gnomAD compares: Non-Finnish European, 0.00017%; no homozygotes.

Submission:

GeneDx
Classification: Uncertain significance. Last evaluated: 2022-11-11. Review status: criteria provided, single submitter. Criteria: GeneDx Variant Classification Process June 2021. Collection method: clinical testing. Allele origin: germline. Affected: yes.
Comment: Not observed at significant frequency in large population cohorts (gnomAD); In silico analysis supports that this missense variant has a deleterious effect on protein structure/function; Has not been previously published as pathogenic or benign to our knowledge

NM_017662.5(TRPM6):c.683A>C (p.Tyr228Ser)

Gene: TRPM6 (transient receptor potential cation channel subfamily M member 6; minus strand). Cytogenetic location: 9q21.13.
Variant type: single nucleotide variant.
Coding change: c.683A>C on transcript NM_017662.5 (MANE Select); coding-DNA position 683, A replaced by C.
Protein change: p.Tyr228Ser; replaces tyrosine 228 with serine.
Molecular consequence: missense variant.
Genome position (GRCh38, 1-based): chr9:74,827,936, T>G on the plus strand (A>C on the coding strand, the complement: TRPM6 is on the minus strand). VCF-style: chr9-74827936-T-G. GRCh37 (hg19) VCF-style: chr9-77442852-T-G.
Other names: c.668A>C, p.Tyr223Ser (NM_001177310.2, NM_001177311.2); short protein forms Y223S, Y228S.
Identifiers: ClinVar variation 2502055 (VCV002502055.1), dbSNP rs751839892, ClinGen allele CA5085072.